The following is an entry in ClinVar:

ClinVar aggregate classification (germline): Likely pathogenic (1 of 4 stars; one submission).

gnomAD v4.1: 3 of 1,496,200 alleles (0.0002%); highest among the groups gnomAD compares: Non-Finnish European, 0.00027%; no homozygotes.

Submission:

GeneDx
Classification: Likely pathogenic. Last evaluated: 2023-03-22. Review status: criteria provided, single submitter. Criteria: GeneDx Variant Classification Process June 2021. Collection method: clinical testing. Allele origin: germline. Affected: yes.
Comment: Nonsense variant predicted to result in protein truncation or nonsense mediated decay in a gene for which loss of function is a known mechanism of disease; Not observed at significant frequency in large population cohorts (gnomAD); Has not been previously published as pathogenic or benign to our knowledge

NM_020066.5(FMN2):c.1097G>A (p.Trp366Ter)

Gene: FMN2 (formin 2; plus strand). Cytogenetic location: 1q43.
Variant type: single nucleotide variant.
Coding change: c.1097G>A on transcript NM_020066.5 (MANE Select); coding-DNA position 1097, G replaced by A.
Protein change: p.Trp366Ter; replaces tryptophan 366 with a stop codon.
Molecular consequence: nonsense.
Genome position (GRCh38, 1-based): chr1:240,093,206, G>A. VCF-style: chr1-240093206-G-A. GRCh37 (hg19) VCF-style: chr1-240256506-G-A.
Other names: c.1097G>A, p.Trp366Ter (NM_001305424.2, NM_001348094.2); short protein forms W366*.
Identifiers: ClinVar variation 2580492 (VCV002580492.1), dbSNP rs1445709911, ClinGen allele CA345431046.
Genomic context (GRCh38, chr1:240,093,206, plus strand): 5'-ATGAGGAGGGTGAGGAGGATGCTTTTGAGGATGCGCCCCGGGGCTCTCCGGGGGAGGAGT[G>A]GGCCCCGGAGGTGGGAGAGGACGCCCCGCAGAGGCTGGGGGAAGAGCCGGAGGAGGAGGC-3'